The following is an entry in ClinVar:

ClinVar aggregate classification (germline): Uncertain significance. Review status: criteria provided, multiple submitters, no conflicts (2 of 4 stars). 2 submissions from 2 submitters: Uncertain significance (2). Last evaluated 2025-03-03.

Submissions (2):

Labcorp Genetics (formerly Invitae), Labcorp
Classification: Uncertain significance. Last evaluated: 2025-03-03. Review status: criteria provided, single submitter. Criteria: Invitae Variant Classification Sherloc (09022015). Collection method: clinical testing. Allele origin: germline.
Comment: This sequence change replaces glutamic acid, which is acidic and polar, with alanine, which is neutral and non-polar, at codon 751 of the PIEZO1 protein (p.Glu751Ala). This variant is not present in population databases (gnomAD no frequency). This variant has not been reported in the literature in individuals affected with PIEZO1-related conditions. ClinVar contains an entry for this variant (Variation ID: 2434735). Invitae Evidence Modeling of protein sequence and biophysical properties (such as structural, functional, and spatial information, amino acid conservation, physicochemical variation, residue mobility, and thermodynamic stability) indicates that this missense variant is not expected to disrupt PIEZO1 protein function with a negative predictive value of 95%. In summary, the available evidence is currently insufficient to determine the role of this variant in disease. Therefore, it has been classified as a Variant of Uncertain Significance.

Revvity Omics, Revvity
Classification: Uncertain significance. Last evaluated: 2022-03-14. Review status: criteria provided, single submitter. Criteria: ACMG Guidelines, 2015. Collection method: clinical testing. Allele origin: germline.

NM_001142864.4(PIEZO1):c.2252A>C (p.Glu751Ala)

Genes: HSALR1 (HSP90AB1 associated lncRNA 1; plus strand), PIEZO1 (piezo type mechanosensitive ion channel component 1 (Er blood group); minus strand). Cytogenetic location: 16q24.3.
Variant type: single nucleotide variant.
Coding change: c.2252A>C on transcript NM_001142864.4 (MANE Select); coding-DNA position 2252, A replaced by C.
Protein change: p.Glu751Ala; replaces glutamic acid 751 with alanine.
Molecular consequence: missense variant.
Genome position (GRCh38, 1-based): chr16:88,733,983, T>G on the plus strand (A>C on the coding strand, the complement: PIEZO1 is on the minus strand). VCF-style: chr16-88733983-T-G. GRCh37 (hg19) VCF-style: chr16-88800391-T-G.
Other names: c.797A>C, p.Glu266Ala (NM_014745.1); short protein forms E266A, E751A.
Identifiers: ClinVar variation 2434735 (VCV002434735.5), dbSNP rs2507907151, ClinGen allele CA397112920.